The following is an entry in ClinVar:

ClinVar aggregate classification (germline): Pathogenic/Likely pathogenic. Review status: criteria provided, multiple submitters, no conflicts (2 of 4 stars). 4 submissions from 4 submitters: Pathogenic (3); Likely pathogenic (1). Last evaluated 2025-07-28.

Conditions:
Cardiomyopathy (CMYO). Also called: Cardiomyopathies. Identifiers: Orphanet 167848, MedGen C0878544, MONDO:0004994, HP:0001638. Inheritance: Various modes of inheritance.
Cardiovascular phenotype. Identifiers: MedGen CN230736.

Submissions (4):

Women's Health and Genetics/Laboratory Corporation of America, LabCorp
Classification: Pathogenic for Cardiomyopathy. Last evaluated: 2025-07-28. Review status: criteria provided, single submitter. Criteria: LabCorp Variant Classification Summary - May 2015. Collection method: clinical testing. Allele origin: germline.
Comment: Variant summary: ALPK3 c.423delG (p.Arg141SerfsX32) results in a premature termination codon, predicted to cause a truncation of the encoded protein or absence of the protein due to nonsense mediated decay, which are commonly known mechanisms for disease. Several computational tools predict a significant impact on normal splicing: Four predict the variant abolishes a 3' acceptor site. Three predict the variant creates a 3' acceptor site. However, these predictions have yet to be confirmed by functional studies. The variant was absent in 238878 control chromosomes. To our knowledge, no occurrence of c.423delG in individuals affected with Cardiomyopathy and no experimental evidence demonstrating its impact on protein function have been reported. ClinVar contains an entry for this variant (Variation ID: 504088). Based on the evidence outlined above, the variant was classified as pathogenic.

GeneDx
Classification: Likely pathogenic. Last evaluated: 2025-03-08. Review status: criteria provided, single submitter. Criteria: GeneDx Variant Classification Process June 2021. Collection method: clinical testing. Allele origin: germline. Affected: yes.
Comment: Frameshift variant predicted to result in protein truncation or nonsense mediated decay in a gene for which loss of function is a known mechanism of disease; Not observed at significant frequency in large population cohorts (gnomAD); Has not been previously published as pathogenic or benign to our knowledge; Also known as c.1029del (p.(R343Sfs*32))

Labcorp Genetics (formerly Invitae), Labcorp
Classification: Pathogenic. Last evaluated: 2025-03-03. Review status: criteria provided, single submitter. Criteria: Invitae Variant Classification Sherloc (09022015). Collection method: clinical testing. Allele origin: germline.
Comment: This sequence change creates a premature translational stop signal (p.Arg343Serfs*32) in the ALPK3 gene. It is expected to result in an absent or disrupted protein product. Loss-of-function variants in ALPK3 are known to be pathogenic (PMID: 21441111, 26846950, 27106955, 34263907). This variant is not present in population databases (gnomAD no frequency). This variant has not been reported in the literature in individuals affected with ALPK3-related conditions. ClinVar contains an entry for this variant (Variation ID: 504088). Algorithms developed to predict the effect of sequence changes on RNA splicing suggest that this variant may disrupt the consensus splice site. For these reasons, this variant has been classified as Pathogenic.

Ambry Genetics
Classification: Pathogenic for Cardiovascular phenotype. Last evaluated: 2025-02-20. Review status: criteria provided, single submitter. Criteria: Ambry Variant Classification Scheme 2023. Collection method: clinical testing. Allele origin: germline.
Comment: The c.1029delG pathogenic mutation, located in coding exon 5 of the ALPK3 gene, results from a deletion of one nucleotide at nucleotide position 1029, causing a translational frameshift with a predicted alternate stop codon (p.R343Sfs*32). This variant is considered to be rare based on population cohorts in the Genome Aggregation Database (gnomAD). In addition, this alteration is expected to result in loss of function by premature protein truncation or nonsense-mediated mRNA decay. As such, this alteration is interpreted as a disease-causing mutation.

Literature cited by the submitters: PubMed 21441111 (cited by Labcorp Genetics (formerly Invitae), Labcorp); PubMed 26846950 (cited by Labcorp Genetics (formerly Invitae), Labcorp); PubMed 27106955 (cited by Labcorp Genetics (formerly Invitae), Labcorp); PubMed 34263907 (cited by Labcorp Genetics (formerly Invitae), Labcorp).

NM_020778.5(ALPK3):c.423del

Gene: ALPK3 (alpha kinase 3; plus strand). Cytogenetic location: 15q25.3.
Variant type: Deletion.
Coding change: c.423del on transcript NM_020778.5 (MANE Select); coding-DNA position 423, one base deleted (G; older notation c.423delG).
Molecular consequence: splice acceptor variant.
Genome position (GRCh38, 1-based): chr15:84,839,702, G deleted; the last of 2 consecutive G bases (chr15:84,839,701-84,839,702); deleting either gives the same sequence. VCF-style (leftmost placement, unchanged base first): chr15-84839700-AG-A. GRCh37 (hg19) VCF-style: chr15-85382931-AG-A.
Other names: c.1029del (NM_020778.4); c.423delG (NM_020778.5).
Identifiers: ClinVar variation 504088 (VCV000504088.19), dbSNP rs1555434555, ClinGen allele CA658798413.
Genomic context (GRCh38, chr15:84,839,700, plus strand): 5'-GGGGTGTGGGGGCTCTCACCTCCCAGGAGGGGAGAGGTGGCACCTCCCGCTCCTACCTCT[AG>A]GTGTCGAGAAGAAGATGCCGCCATCTACCAGGCCTCTGCCCAGAACAGCAAGGGCATTGT-3'